The following is an entry in ClinVar:

ClinVar aggregate classification (germline): Benign (1 of 4 stars; one submission).

Allele frequency attached by ClinVar (database versions not stated): 1000 Genomes Project 0.07208; 1000 Genomes Project 30x 0.07324; gnomAD exomes 0.08137; TOPMed 0.09062; gnomAD 0.09099 and 0.09371.
gnomAD v4.1: 70,853 of 850,058 alleles (8.3%); highest among the groups gnomAD compares: African/African-American, 11%; 3,214 homozygotes.

Submission:

GeneDx
Classification: Benign. Last evaluated: 2018-06-14. Review status: criteria provided, single submitter. Criteria: GeneDx Variant Classification (06012015). Collection method: clinical testing. Allele origin: germline. Affected: yes.
Comment: This variant is considered likely benign or benign based on one or more of the following criteria: it is a conservative change, it occurs at a poorly conserved position in the protein, it is predicted to be benign by multiple in silico algorithms, and/or has population frequency not consistent with disease.

NM_001130987.2(DYSF):c.952-135C>T

Gene: DYSF (dysferlin; plus strand). Cytogenetic location: 2p13.2.
Variant type: single nucleotide variant.
Coding change: c.952-135C>T on transcript NM_001130987.2 (MANE Select); 135 bases into the intron before coding-DNA position 952, C replaced by T.
Molecular consequence: intron variant.
Genome position (GRCh38, 1-based): chr2:71,516,854, C>T. VCF-style: chr2-71516854-C-T. GRCh37 (hg19) VCF-style: chr2-71743984-C-T.
Other names: c.949-135C>T (NM_001130979.2, NM_001130981.2, NM_001130980.2); c.856-135C>T (NM_001130978.2, NM_003494.4, NM_001130977.2 and 1 more transcripts); c.952-135C>T (NM_001130982.2, NM_001130985.2); c.859-135C>T (NM_001130983.2, NM_001130455.2, NM_001130984.2 and 1 more transcripts).
Identifiers: ClinVar variation 681729 (VCV000681729.1), dbSNP rs79470017, ClinGen allele CA15202392.